The following is an entry in ClinVar:

ClinVar aggregate classification (germline): Uncertain significance (1 of 4 stars; one submission).

Allele frequency attached by ClinVar (database versions not stated): gnomAD exomes below 0.00001.

Submission:

Labcorp Genetics (formerly Invitae), Labcorp
Classification: Uncertain significance. Last evaluated: 2023-12-21. Review status: criteria provided, single submitter. Criteria: Invitae Variant Classification Sherloc (09022015). Collection method: clinical testing. Allele origin: germline.
Comment: This sequence change replaces methionine, which is neutral and non-polar, with valine, which is neutral and non-polar, at codon 1090 of the KMT2A protein (p.Met1090Val). This variant is not present in population databases (gnomAD no frequency). This variant has not been reported in the literature in individuals affected with KMT2A-related conditions. ClinVar contains an entry for this variant (Variation ID: 1934260). Advanced modeling of protein sequence and biophysical properties (such as structural, functional, and spatial information, amino acid conservation, physicochemical variation, residue mobility, and thermodynamic stability) has been performed at Invitae for this missense variant, however the output from this modeling did not meet the statistical confidence thresholds required to predict the impact of this variant on KMT2A protein function. In summary, the available evidence is currently insufficient to determine the role of this variant in disease. Therefore, it has been classified as a Variant of Uncertain Significance.

NM_001197104.2(KMT2A):c.3268A>G (p.Met1090Val)

Gene: KMT2A (lysine methyltransferase 2A; plus strand). Cytogenetic location: 11q23.3.
Variant type: single nucleotide variant.
Coding change: c.3268A>G on transcript NM_001197104.2 (MANE Select); coding-DNA position 3268, A replaced by G.
Protein change: p.Met1090Val; replaces methionine 1090 with valine.
Molecular consequence: missense variant.
Genome position (GRCh38, 1-based): chr11:118,476,916, A>G. VCF-style: chr11-118476916-A-G. GRCh37 (hg19) VCF-style: chr11-118347631-A-G.
Other names: c.3367A>G, p.Met1123Val (NM_001412597.1); c.3268A>G, p.Met1090Val (NM_005933.4); short protein forms M1090V, M1123V.
Identifiers: ClinVar variation 1934260 (VCV001934260.5), dbSNP rs2496834059, ClinGen allele CA382823961.